The following is an entry in ClinVar:

NM_153026.3(PRICKLE1):c.1173A>C (p.Glu391Asp)

Genes: PRICKLE1 (prickle planar cell polarity protein 1; minus strand), LOC126861509 (BRD4-independent group 4 enhancer GRCh37_chr12:42858567-42859766; plus strand). Cytogenetic location: 12q12.
Variant type: single nucleotide variant.
Coding change: c.1173A>C on transcript NM_153026.3 (MANE Select); coding-DNA position 1173, A replaced by C.
Protein change: p.Glu391Asp; replaces glutamic acid 391 with aspartic acid.
Molecular consequence: missense variant.
Genome position (GRCh38, 1-based): chr12:42,464,861, T>G on the plus strand (A>C on the coding strand, the complement: PRICKLE1 is on the minus strand). VCF-style: chr12-42464861-T-G. GRCh37 (hg19) VCF-style: chr12-42858663-T-G.
Other names: c.1173A>C, p.Glu391Asp (NM_001144881.2, NM_001144882.2, NM_001144883.2); short protein forms E391D.
Identifiers: ClinVar variation 999409 (VCV000999409.10), dbSNP rs1938025035, ClinGen allele CA384442307.

ClinVar aggregate classification (germline): Uncertain significance (1 of 4 stars; one submission).

Conditions:
Epilepsy, progressive myoclonic, 1B. Also called: PME. Identifiers: Orphanet 308, MedGen C2676254, MONDO:0012904, OMIM 612437.

Allele frequency attached by ClinVar (database versions not stated): gnomAD exomes below 0.00001; TOPMed below 0.00001.
gnomAD v4.1: 2 of 1,614,136 alleles (0.00012%); highest among the groups gnomAD compares: East Asian, 0.0045%; no homozygotes.

Submission:

Labcorp Genetics (formerly Invitae), Labcorp
Classification: Uncertain significance for Epilepsy, progressive myoclonic, 1B. Last evaluated: 2024-12-02. Review status: criteria provided, single submitter. Criteria: Invitae Variant Classification Sherloc (09022015). Collection method: clinical testing. Allele origin: germline.
Comment: This sequence change replaces glutamic acid, which is acidic and polar, with aspartic acid, which is acidic and polar, at codon 391 of the PRICKLE1 protein (p.Glu391Asp). This variant is not present in population databases (gnomAD no frequency). This variant has not been reported in the literature in individuals affected with PRICKLE1-related conditions. ClinVar contains an entry for this variant (Variation ID: 999409). Invitae Evidence Modeling of protein sequence and biophysical properties (such as structural, functional, and spatial information, amino acid conservation, physicochemical variation, residue mobility, and thermodynamic stability) indicates that this missense variant is not expected to disrupt PRICKLE1 protein function with a negative predictive value of 80%. In summary, the available evidence is currently insufficient to determine the role of this variant in disease. Therefore, it has been classified as a Variant of Uncertain Significance.